The following is an entry in ClinVar:

ClinVar aggregate classification (germline): Uncertain significance. Review status: criteria provided, multiple submitters, no conflicts (2 of 4 stars). 2 submissions from 2 submitters: Uncertain significance (2). Last evaluated 2024-09-05.

Conditions:
Autosomal dominant Parkinson disease 8. Also called: Parkinson disease 8, susceptibility to; LRRK2-Related Parkinson Disease; Parkinson disease 8. Identifiers: Orphanet 411602, MedGen C1846862, MONDO:0011764, OMIM 607060.
Inborn genetic diseases. Identifiers: MedGen C0950123, MeSH D030342.

Allele frequency attached by ClinVar (database versions not stated): gnomAD exomes below 0.00001; gnomAD 0.00002.
gnomAD v4.1: 4 of 1,612,114 alleles (0.00025%); highest among the groups gnomAD compares: Admixed American, 0.0033%; no homozygotes.

Submissions (2):

Labcorp Genetics (formerly Invitae), Labcorp
Classification: Uncertain significance for Autosomal dominant Parkinson disease 8. Last evaluated: 2024-09-05. Review status: criteria provided, single submitter. Criteria: Invitae Variant Classification Sherloc (09022015). Collection method: clinical testing. Allele origin: germline.
Comment: This sequence change replaces serine, which is neutral and polar, with cysteine, which is neutral and slightly polar, at codon 2409 of the LRRK2 protein (p.Ser2409Cys). This variant is not present in population databases (gnomAD no frequency). This variant has not been reported in the literature in individuals affected with LRRK2-related conditions. ClinVar contains an entry for this variant (Variation ID: 1432911). Invitae Evidence Modeling of protein sequence and biophysical properties (such as structural, functional, and spatial information, amino acid conservation, physicochemical variation, residue mobility, and thermodynamic stability) indicates that this missense variant is not expected to disrupt LRRK2 protein function with a negative predictive value of 80%. In summary, the available evidence is currently insufficient to determine the role of this variant in disease. Therefore, it has been classified as a Variant of Uncertain Significance.

Ambry Genetics
Classification: Uncertain significance for Inborn genetic diseases. Last evaluated: 2023-03-12. Review status: criteria provided, single submitter. Criteria: Ambry Variant Classification Scheme 2023. Collection method: clinical testing. Allele origin: germline.
Comment: The p.S2409C variant (also known as c.7226C>G), located in coding exon 49 of the LRRK2 gene, results from a C to G substitution at nucleotide position 7226. The serine at codon 2409 is replaced by cysteine, an amino acid with dissimilar properties. This amino acid position is conserved. In addition, this alteration is predicted to be tolerated by in silico analysis. Since supporting evidence is limited at this time, the clinical significance of this alteration remains unclear.

NM_198578.4(LRRK2):c.7226C>G (p.Ser2409Cys)

Gene: LRRK2 (leucine rich repeat kinase 2; plus strand). Cytogenetic location: 12q12.
Variant type: single nucleotide variant.
Coding change: c.7226C>G on transcript NM_198578.4 (MANE Select); coding-DNA position 7226, C replaced by G.
Protein change: p.Ser2409Cys; replaces serine 2409 with cysteine.
Molecular consequence: missense variant.
Genome position (GRCh38, 1-based): chr12:40,364,886, C>G. VCF-style: chr12-40364886-C-G. GRCh37 (hg19) VCF-style: chr12-40758688-C-G.
Other names: c.7226C>G (NM_198578.3); short protein forms S2409C.
Identifiers: ClinVar variation 1432911 (VCV001432911.9), dbSNP rs1222262387, ClinGen allele CA384414652.